The following is an entry in ClinVar:

ClinVar aggregate classification (germline): Uncertain significance. Review status: criteria provided, multiple submitters, no conflicts (2 of 4 stars). 2 submissions from 2 submitters: Uncertain significance (2). Last evaluated 2025-12-31.

Conditions:
Inborn genetic diseases. Identifiers: MedGen C0950123, MeSH D030342.

Allele frequency attached by ClinVar (database versions not stated): gnomAD exomes 0.00001; ExAC 0.00002; gnomAD 0.00003 and 0.00004; TOPMed 0.00005.
gnomAD v4.1: 15 of 1,611,028 alleles (0.00093%); highest among the groups gnomAD compares: African/African-American, 0.019%; no homozygotes.

Submissions (2):

Labcorp Genetics (formerly Invitae), Labcorp
Classification: Uncertain significance. Last evaluated: 2025-12-31. Review status: criteria provided, single submitter. Criteria: Invitae Variant Classification Sherloc (09022015). Collection method: clinical testing. Allele origin: germline.
Comment: This sequence change replaces glutamic acid, which is acidic and polar, with lysine, which is basic and polar, at codon 1922 of the ATR protein (p.Glu1922Lys). This variant is present in population databases (rs769972178, gnomAD 0.02%). This variant has not been reported in the literature in individuals affected with ATR-related conditions. ClinVar contains an entry for this variant (Variation ID: 1042393). An algorithm developed to predict the effect of missense changes on protein structure and function (PolyPhen-2) suggests that this variant is likely to be disruptive. In summary, the available evidence is currently insufficient to determine the role of this variant in disease. Therefore, it has been classified as a Variant of Uncertain Significance.

Ambry Genetics
Classification: Uncertain significance for Inborn genetic diseases. Last evaluated: 2024-11-11. Review status: criteria provided, single submitter. Criteria: Ambry Variant Classification Scheme 2023. Collection method: clinical testing. Allele origin: germline.
Comment: The p.E1922K variant (also known as c.5764G>A), located in coding exon 34 of the ATR gene, results from a G to A substitution at nucleotide position 5764. The glutamic acid at codon 1922 is replaced by lysine, an amino acid with similar properties. This amino acid position is conserved. In addition, the in silico prediction for this alteration is inconclusive. Since supporting evidence is limited at this time, the clinical significance of this alteration remains unclear.

NM_001184.4(ATR):c.5764G>A (p.Glu1922Lys)

Gene: ATR (ATR checkpoint kinase; minus strand). Cytogenetic location: 3q23.
Variant type: single nucleotide variant.
Coding change: c.5764G>A on transcript NM_001184.4 (MANE Select); coding-DNA position 5764, G replaced by A.
Protein change: p.Glu1922Lys; replaces glutamic acid 1922 with lysine.
Molecular consequence: missense variant.
Genome position (GRCh38, 1-based): chr3:142,496,495, C>T on the plus strand (G>A on the coding strand, the complement: ATR is on the minus strand). VCF-style: chr3-142496495-C-T. GRCh37 (hg19) VCF-style: chr3-142215337-C-T.
Other names: c.5764G>A (NM_001184.3); c.5572G>A, p.Glu1858Lys (NM_001354579.2); short protein forms E1858K, E1922K.
Identifiers: ClinVar variation 1042393 (VCV001042393.11), dbSNP rs769972178, ClinGen allele CA2649529.